The following is an entry in ClinVar:

ClinVar aggregate classification (germline): Uncertain significance (1 of 4 stars; one submission).

Conditions:
Inborn genetic diseases. Identifiers: MedGen C0950123, MeSH D030342.

gnomAD v4.1: 3 of 1,613,486 alleles (0.00019%); highest among the groups gnomAD compares: Non-Finnish European, 0.00025%; no homozygotes.

Submission:

Ambry Genetics
Classification: Uncertain significance for Inborn genetic diseases. Last evaluated: 2026-03-24. Review status: criteria provided, single submitter. Criteria: Ambry Variant Classification Scheme 2023. Collection method: clinical testing. Allele origin: germline.
Comment: The p.K895N variant (also known as c.2685A>T), located in coding exon 23 of the ANKRD26 gene, results from an A to T substitution at nucleotide position 2685. The lysine at codon 895 is replaced by asparagine, an amino acid with similar properties. This amino acid position is conserved. In addition, this alteration is predicted to be tolerated by in silico analysis. Based on the available evidence, the clinical significance of this variant remains unclear.

NM_014915.3(ANKRD26):c.2685A>T (p.Lys895Asn)

Gene: ANKRD26 (ankyrin repeat domain 26; minus strand). Cytogenetic location: 10p12.1.
Variant type: single nucleotide variant.
Coding change: c.2685A>T on transcript NM_014915.3 (MANE Select); coding-DNA position 2685, A replaced by T.
Protein change: p.Lys895Asn; replaces lysine 895 with asparagine.
Molecular consequence: missense variant.
Genome position (GRCh38, 1-based): chr10:27,037,198, T>A on the plus strand (A>T on the coding strand, the complement: ANKRD26 is on the minus strand). VCF-style: chr10-27037198-T-A. GRCh37 (hg19) VCF-style: chr10-27326127-T-A.
Other names: c.2682A>T, p.Lys894Asn (NM_001256053.2); short protein forms K894N, K895N.
Identifiers: ClinVar variation 4859128 (VCV004859128.1).